The following is an entry in ClinVar:

ClinVar aggregate classification (germline): Uncertain significance (1 of 4 stars; one submission).

Submission:

Labcorp Genetics (formerly Invitae), Labcorp
Classification: Uncertain significance. Last evaluated: 2022-07-09. Review status: criteria provided, single submitter. Criteria: Invitae Variant Classification Sherloc (09022015). Collection method: clinical testing. Allele origin: germline.
Comment: Algorithms developed to predict the effect of missense changes on protein structure and function (SIFT, PolyPhen-2, Align-GVGD) all suggest that this variant is likely to be tolerated. In summary, the available evidence is currently insufficient to determine the role of this variant in disease. Therefore, it has been classified as a Variant of Uncertain Significance. This variant has not been reported in the literature in individuals affected with CCT2-related conditions. This sequence change replaces serine, which is neutral and polar, with alanine, which is neutral and non-polar, at codon 28 of the CCT2 protein (p.Ser28Ala). This variant is not present in population databases (gnomAD no frequency).

NM_006431.3(CCT2):c.82T>G (p.Ser28Ala)

Gene: CCT2 (chaperonin containing TCP1 subunit 2; plus strand). Cytogenetic location: 12q15.
Variant type: single nucleotide variant.
Coding change: c.82T>G on transcript NM_006431.3 (MANE Select); coding-DNA position 82, T replaced by G.
Protein change: p.Ser28Ala; replaces serine 28 with alanine.
Molecular consequence: missense variant. On other transcripts: 5 prime UTR variant (1).
Genome position (GRCh38, 1-based): chr12:69,586,756, T>G. VCF-style: chr12-69586756-T-G. GRCh37 (hg19) VCF-style: chr12-69980536-T-G.
Other names: c.-60T>G (NM_001198842.2); short protein forms S28A.
Identifiers: ClinVar variation 2015379 (VCV002015379.4), dbSNP rs1221167633, ClinGen allele CA385722901.